The following is an entry in ClinVar:

NM_002878.4(RAD51D):c.806G>A (p.Ser269Asn)

Genes: RAD51D (RAD51 paralog D; minus strand), RAD51L3-RFFL (RAD51L3-RFFL readthrough; minus strand). Cytogenetic location: 17q12.
Variant type: single nucleotide variant.
Coding change: c.806G>A on transcript NM_002878.4 (MANE Select); coding-DNA position 806, G replaced by A.
Protein change: p.Ser269Asn; replaces serine 269 with asparagine.
Molecular consequence: missense variant. On other transcripts: non-coding transcript variant (3).
Genome position (GRCh38, 1-based): chr17:35,101,298, C>T on the plus strand (G>A on the coding strand, the complement: RAD51D is on the minus strand). VCF-style: chr17-35101298-C-T. GRCh37 (hg19) VCF-style: chr17-33428317-C-T.
Other names: c.866G>A, p.Ser289Asn (NM_001142571.2); c.470G>A, p.Ser157Asn (NM_133629.3); short protein forms S269N, S157N, S289N.
Identifiers: ClinVar variation 484771 (VCV000484771.13), dbSNP rs876658762, ClinGen allele CA399086799.

ClinVar aggregate classification (germline): Uncertain significance. Review status: criteria provided, multiple submitters, no conflicts (2 of 4 stars). 5 submissions from 5 submitters: Uncertain significance (5). Last evaluated 2025-08-07.

Conditions:
Breast-ovarian cancer, familial, susceptibility to, 4. Identifiers: Orphanet 145, MedGen C3280345, MONDO:0013669, OMIM 614291.
Hereditary cancer-predisposing syndrome. Also called: Neoplastic Syndromes, Hereditary; Tumor predisposition; Hereditary Cancer Syndrome; Hereditary neoplastic syndrome. Identifiers: Orphanet 140162, MedGen C0027672, MeSH D009386, MONDO:0015356.
Hereditary breast ovarian cancer syndrome. Also called: Hereditary breast and ovarian cancer syndrome; Hereditary breast and ovarian cancer; Hereditary breast and ovarian cancer syndrome (HBOC); Breast and ovarian cancer; Hereditary breast and/or ovarian cancer syndrome; BRCA1- and BRCA2-Associated Hereditary Breast and Ovarian Cancer. Identifiers: Orphanet 145, MedGen C0677776, MeSH D061325, MONDO:0003582. Disease mechanism: loss of function.

Allele frequency attached by ClinVar (database versions not stated): gnomAD exomes below 0.00001.
gnomAD v4.1: 1 of 1,614,170 alleles (0.000062%); highest among the groups gnomAD compares: Non-Finnish European, 0.000085%; no homozygotes.

Submissions (5):

Labcorp Genetics (formerly Invitae), Labcorp
Classification: Uncertain significance for Breast-ovarian cancer, familial, susceptibility to, 4. Last evaluated: 2025-08-07. Review status: criteria provided, single submitter. Criteria: Invitae Variant Classification Sherloc (09022015). Collection method: clinical testing. Allele origin: germline.
Comment: This sequence change replaces serine, which is neutral and polar, with asparagine, which is neutral and polar, at codon 269 of the RAD51D protein (p.Ser269Asn). This variant is present in population databases (no rsID available, gnomAD 0.0009%). This variant has not been reported in the literature in individuals affected with RAD51D-related conditions. ClinVar contains an entry for this variant (Variation ID: 484771). Invitae Evidence Modeling of protein sequence and biophysical properties (such as structural, functional, and spatial information, amino acid conservation, physicochemical variation, residue mobility, and thermodynamic stability) indicates that this missense variant is expected to disrupt RAD51D protein function with a positive predictive value of 80%. In summary, the available evidence is currently insufficient to determine the role of this variant in disease. Therefore, it has been classified as a Variant of Uncertain Significance.

GeneDx
Classification: Uncertain significance. Last evaluated: 2024-09-27. Review status: criteria provided, single submitter. Criteria: GeneDx Variant Classification Process June 2021. Collection method: clinical testing. Allele origin: germline. Affected: yes.
Comment: Not observed at significant frequency in large population cohorts (gnomAD); In silico analysis indicates that this missense variant does not alter protein structure/function; Has not been previously published as pathogenic or benign to our knowledge; This variant is associated with the following publications: (PMID: 21111057, 14704354, 19327148)

Women's Health and Genetics/Laboratory Corporation of America, LabCorp
Classification: Uncertain significance. Last evaluated: 2021-10-16. Review status: criteria provided, single submitter. Criteria: LabCorp Variant Classification Summary - May 2015. Collection method: clinical testing. Allele origin: germline.

Ambry Genetics
Classification: Uncertain significance for Hereditary cancer-predisposing syndrome. Last evaluated: 2021-06-16. Review status: criteria provided, single submitter. Criteria: Ambry Variant Classification Scheme 2023. Collection method: clinical testing. Allele origin: germline.
Comment: The p.S269N variant (also known as c.806G>A), located in coding exon 9 of the RAD51D gene, results from a G to A substitution at nucleotide position 806. The serine at codon 269 is replaced by asparagine, an amino acid with highly similar properties. This amino acid position is highly conserved in available vertebrate species. In addition, this alteration is predicted to be tolerated by in silico analysis. Since supporting evidence is limited at this time, the clinical significance of this alteration remains unclear.

Department of Pathology and Laboratory Medicine, Sinai Health System
Classification: Uncertain significance for Hereditary breast ovarian cancer syndrome. Last evaluated: 2021-04-08. Review status: criteria provided, single submitter. Criteria: ACMG Guidelines, 2015. Collection method: clinical testing. Allele origin: germline. Affected: yes.